The following is an entry in ClinVar:

NM_015559.3(SETBP1):c.948T>A (p.Asp316Glu)

Gene: SETBP1 (SET binding protein 1; plus strand). Cytogenetic location: 18q12.3.
Variant type: single nucleotide variant.
Coding change: c.948T>A on transcript NM_015559.3 (MANE Select); coding-DNA position 948, T replaced by A.
Protein change: p.Asp316Glu; replaces aspartic acid 316 with glutamic acid.
Molecular consequence: missense variant.
Genome position (GRCh38, 1-based): chr18:44,950,288, T>A. VCF-style: chr18-44950288-T-A. GRCh37 (hg19) VCF-style: chr18-42530253-T-A.
Other names: c.948T>A (NM_015559.2); c.948T>A, p.Asp316Glu (NM_001379141.1, NM_001379142.1, NM_001410862.1); short protein forms D316E.
Identifiers: ClinVar variation 3707150 (VCV003707150.3).

ClinVar aggregate classification (germline): Uncertain significance. Review status: criteria provided, multiple submitters, no conflicts (2 of 4 stars). 2 submissions from 2 submitters: Uncertain significance (2). Last evaluated 2025-10-15.

Conditions:
Inborn genetic diseases. Identifiers: MedGen C0950123, MeSH D030342.

Submissions (2):

Ambry Genetics
Classification: Uncertain significance for Inborn genetic diseases. Last evaluated: 2025-10-15. Review status: criteria provided, single submitter. Criteria: Ambry Variant Classification Scheme 2023. Collection method: clinical testing. Allele origin: germline.

Labcorp Genetics (formerly Invitae), Labcorp
Classification: Uncertain significance. Last evaluated: 2025-01-05. Review status: criteria provided, single submitter. Criteria: Invitae Variant Classification Sherloc (09022015). Collection method: clinical testing. Allele origin: germline.
Comment: This sequence change replaces aspartic acid, which is acidic and polar, with glutamic acid, which is acidic and polar, at codon 316 of the SETBP1 protein (p.Asp316Glu). This variant is not present in population databases (gnomAD no frequency). This variant has not been reported in the literature in individuals affected with SETBP1-related conditions. Invitae Evidence Modeling of protein sequence and biophysical properties (such as structural, functional, and spatial information, amino acid conservation, physicochemical variation, residue mobility, and thermodynamic stability) indicates that this missense variant is not expected to disrupt SETBP1 protein function with a negative predictive value of 80%. In summary, the available evidence is currently insufficient to determine the role of this variant in disease. Therefore, it has been classified as a Variant of Uncertain Significance.